The following is an entry in ClinVar:

NM_016188.5(ACTL6B):c.726G>C (p.Gln242His)

Gene: ACTL6B (actin like 6B; minus strand). Cytogenetic location: 7q22.1.
Variant type: single nucleotide variant.
Coding change: c.726G>C on transcript NM_016188.5 (MANE Select); coding-DNA position 726, G replaced by C.
Protein change: p.Gln242His; replaces glutamine 242 with histidine.
Molecular consequence: missense variant. On other transcripts: non-coding transcript variant (1).
Genome position (GRCh38, 1-based): chr7:100,647,477, C>G on the plus strand (G>C on the coding strand, the complement: ACTL6B is on the minus strand). VCF-style: chr7-100647477-C-G. GRCh37 (hg19) VCF-style: chr7-100245100-C-G.
Other names: short protein forms Q242H.
Identifiers: ClinVar variation 3369787 (VCV003369787.1).
Genomic context (GRCh38, chr7:100,647,477, plus strand): 5'-TTCAGGTGGCCCTCTCCAGAGGCTCACATTACACATGTAGTTATGCCAGGACTTGGAGAC[C>G]TGGGGTAGCTTCTCCTTCTTCTTCCAGTTTGGGGGGGCACCCTCCCGGACAGGCTCCTGT-3'
Protein context (NP_057272.1, residues 232-252): PNWKKKEKLP[Gln242His]VSKSWHNYMC

ClinVar aggregate classification (germline): Uncertain significance (1 of 4 stars; one submission).

gnomAD v4.1: 2 of 1,612,010 alleles (0.00012%); highest among the groups gnomAD compares: African/African-American, 0.0013%; no homozygotes.

Submission:

GeneDx
Classification: Uncertain significance. Last evaluated: 2024-02-24. Review status: criteria provided, single submitter. Criteria: GeneDx Variant Classification Process June 2021. Collection method: clinical testing. Allele origin: germline. Affected: yes.
Comment: Not observed at significant frequency in large population cohorts (gnomAD); In silico analysis supports that this missense variant does not alter protein structure/function; Has not been previously published as pathogenic or benign to our knowledge